The following is an entry in ClinVar:

NM_001363711.2(DUOX2):c.265A>T (p.Thr89Ser)

Gene: DUOX2 (dual oxidase 2; minus strand). Cytogenetic location: 15q21.1.
Variant type: single nucleotide variant.
Coding change: c.265A>T on transcript NM_001363711.2 (MANE Select); coding-DNA position 265, A replaced by T.
Protein change: p.Thr89Ser; replaces threonine 89 with serine.
Molecular consequence: missense variant.
Genome position (GRCh38, 1-based): chr15:45,112,614, T>A on the plus strand (A>T on the coding strand, the complement: DUOX2 is on the minus strand). VCF-style: chr15-45112614-T-A. GRCh37 (hg19) VCF-style: chr15-45404812-T-A.
Other names: c.265A>T, p.Thr89Ser (NM_014080.5); short protein forms T89S.
Identifiers: ClinVar variation 2704332 (VCV002704332.3), dbSNP rs1285286262, ClinGen allele CA392279658.

ClinVar aggregate classification (germline): Uncertain significance (1 of 4 stars; one submission).

Submission:

Labcorp Genetics (formerly Invitae), Labcorp
Classification: Uncertain significance. Last evaluated: 2023-12-20. Review status: criteria provided, single submitter. Criteria: Invitae Variant Classification Sherloc (09022015). Collection method: clinical testing. Allele origin: germline.
Comment: This sequence change replaces threonine, which is neutral and polar, with serine, which is neutral and polar, at codon 89 of the DUOX2 protein (p.Thr89Ser). This variant is not present in population databases (gnomAD no frequency). This variant has not been reported in the literature in individuals affected with DUOX2-related conditions. Advanced modeling of protein sequence and biophysical properties (such as structural, functional, and spatial information, amino acid conservation, physicochemical variation, residue mobility, and thermodynamic stability) performed at Invitae indicates that this missense variant is not expected to disrupt DUOX2 protein function with a negative predictive value of 80%. In summary, the available evidence is currently insufficient to determine the role of this variant in disease. Therefore, it has been classified as a Variant of Uncertain Significance.